The following is an entry in ClinVar:

ClinVar aggregate classification (germline): Likely pathogenic (1 of 4 stars; one submission).

Conditions:
ADNP-related multiple congenital anomalies - intellectual disability - autism spectrum disorder. Also called: Helsmoortel-Van der Aa Syndrome; ADNP-Related Helsmoortel-Van der Aa Syndrome. Identifiers: Orphanet 404448, MedGen C4014538, MONDO:0014379, OMIM 615873. Disease mechanism: loss of function.

Submission:

Victorian Clinical Genetics Services, Murdoch Childrens Research Institute
Classification: Likely pathogenic for ADNP-related multiple congenital anomalies - intellectual disability - autism spectrum disorder. Last evaluated: 2023-07-17. Review status: criteria provided, single submitter. Criteria: ACMG Guidelines, 2015. Collection method: clinical testing. Allele origin: germline. Inheritance: Autosomal dominant inheritance. Affected: yes.
Comment: Based on the classification scheme VCGS_Germline_v1.3.4, this variant is classified as Likely pathogenic. Following criteria are met: 0102 - Loss of function is a known mechanism of disease in this gene and is associated with Helsmoortel-van der Aa syndrome (MIM#615873). (I) 0107 - This gene is associated with autosomal dominant disease. (I) 0112 - The condition associated with this gene has incomplete penetrance. Two individuals with ADNP-related disorders have been reported to have inherited a pathogenic variant from an unaffected parent (PMID: 29724491). (I) 0200 - Variant is predicted to result in a missense amino acid change from cysteine to tyrosine. (I) 0251 - This variant is heterozygous. (I) 0301 - Variant is absent from gnomAD (both v2 and v3). (SP) 0501 - Missense variant consistently predicted to be damaging by multiple in silico tools or highly conserved with a major amino acid change. (SP) 0600 - Variant is located in the annotated ADNP N-terminal domain (DECIPHER). (I) 0705 - No comparable missense variants have previous evidence for pathogenicity. (I) 0807 - This variant has no previous evidence of pathogenicity. (I) 0905 - No published segregation evidence has been identified for this variant. (I) 1007 - No published functional evidence has been identified for this variant. (I) 1102 - Strong phenotype match for this individual. (SP) Legend: (SP) - Supporting pathogenic, (I) - Information, (SB) - Supporting benign

Literature cited by the submitters: PubMed 29724491.

NM_001282531.3(ADNP):c.326G>A (p.Cys109Tyr)

Gene: ADNP (activity dependent neuroprotector homeobox; minus strand). Cytogenetic location: 20q13.13.
Variant type: single nucleotide variant.
Coding change: c.326G>A on transcript NM_001282531.3 (MANE Select); coding-DNA position 326, G replaced by A.
Protein change: p.Cys109Tyr; replaces cysteine 109 with tyrosine.
Molecular consequence: missense variant.
Genome position (GRCh38, 1-based): chr20:50,894,388, C>T on the plus strand (G>A on the coding strand, the complement: ADNP is on the minus strand). VCF-style: chr20-50894388-C-T. GRCh37 (hg19) VCF-style: chr20-49510925-C-T.
Other names: c.326G>A, p.Cys109Tyr (NM_001282532.2, NM_001347511.2, NM_015339.5 and 1 more transcripts); short protein forms C109Y.
Identifiers: ClinVar variation 3254632 (VCV003254632.1), dbSNP rs2515592600.